The following is an entry in ClinVar:

ClinVar aggregate classification (germline): Uncertain significance (1 of 4 stars; one submission).

Conditions:
Inborn genetic diseases. Identifiers: MedGen C0950123, MeSH D030342.

Allele frequency attached by ClinVar (database versions not stated): ExAC 0.00001.

Submission:

Ambry Genetics
Classification: Uncertain significance for Inborn genetic diseases. Last evaluated: 2020-03-28. Review status: criteria provided, single submitter. Criteria: Ambry Variant Classification Scheme 2023. Collection method: clinical testing. Allele origin: germline.
Comment: The p.A825S variant (also known as c.2473G>T), located in coding exon 4 of the NSD1 gene, results from a G to T substitution at nucleotide position 2473. The alanine at codon 825 is replaced by serine, an amino acid with similar properties. This amino acid position is well conserved in available vertebrate species. In addition, this alteration is predicted to be tolerated by in silico analysis. Since supporting evidence is limited at this time, the clinical significance of this alteration remains unclear.

NM_022455.5(NSD1):c.2473G>T (p.Ala825Ser)

Gene: NSD1 (nuclear receptor binding SET domain protein 1; plus strand). Cytogenetic location: 5q35.3.
Variant type: single nucleotide variant.
Coding change: c.2473G>T on transcript NM_022455.5 (MANE Select); coding-DNA position 2473, G replaced by T.
Protein change: p.Ala825Ser; replaces alanine 825 with serine.
Molecular consequence: missense variant.
Genome position (GRCh38, 1-based): chr5:177,210,872, G>T. VCF-style: chr5-177210872-G-T. GRCh37 (hg19) VCF-style: chr5-176637873-G-T.
Other names: c.1600G>T, p.Ala534Ser (NM_001365684.2, NM_001409306.1, NM_001409307.1 and 3 more transcripts); c.2473G>T, p.Ala825Ser (NM_001409301.1, NM_001409302.1, NM_001409303.1); c.2053G>T, p.Ala685Ser (NM_001409304.1); c.1720G>T, p.Ala574Ser (NM_001409305.1); short protein forms A825S, A556S, A534S, A574S, A685S.
Identifiers: ClinVar variation 1791813 (VCV001791813.2), dbSNP rs751977102, ClinGen allele CA3577276.